The following is an entry in ClinVar:

NM_000083.3(CLCN1):c.2284+1G>A

Gene: CLCN1 (chloride voltage-gated channel 1; plus strand). Cytogenetic location: 7q34.
Variant type: single nucleotide variant.
Coding change: c.2284+1G>A on transcript NM_000083.3 (MANE Select); the canonical splice donor site of the intron after coding-DNA position 2284, G replaced by A.
Molecular consequence: splice donor variant.
Genome position (GRCh38, 1-based): chr7:143,346,252, G>A. VCF-style: chr7-143346252-G-A. GRCh37 (hg19) VCF-style: chr7-143043345-G-A.
Identifiers: ClinVar variation 1993991 (VCV001993991.4), dbSNP rs2485436810, ClinGen allele CA369651591.
Genomic context (GRCh38, chr7:143,346,252, plus strand): 5'-AAGAGCCCAATGGGCCTCTGCCTGGCCACAAACAGCAGCCGGAAGCACCAGAGCCTGCAG[G>A]TGACGCTCTTCCCTCATGCACCCCAACTCACCCCTTGTGGGTTCTCTCTGGTCACTAGGA-3'

ClinVar aggregate classification (germline): Likely pathogenic (1 of 4 stars; one submission).

Conditions:
Congenital myotonia, autosomal recessive form. Also called: BECKER DISEASE; Becker Generalized Myotonia; myotonia congenita, autosomal recessive. Identifiers: Orphanet 614, MedGen C0751360, MONDO:0009715, OMIM 255700.
Congenital myotonia, autosomal dominant form (THD). Also called: THOMSEN DISEASE; Myotonia congenita autosomal dominant. Identifiers: Orphanet 614, MedGen C2936781, MONDO:0008055, OMIM 160800.

Submission:

Labcorp Genetics (formerly Invitae), Labcorp
Classification: Likely pathogenic for Congenital myotonia, autosomal recessive form; Congenital myotonia, autosomal dominant form. Last evaluated: 2023-10-13. Review status: criteria provided, single submitter. Criteria: Invitae Variant Classification Sherloc (09022015). Collection method: clinical testing. Allele origin: germline.
Comment: This sequence change affects a donor splice site in intron 18 of the CLCN1 gene. It is expected to disrupt RNA splicing. Variants that disrupt the donor or acceptor splice site typically lead to a loss of protein function (PMID: 16199547), and loss-of-function variants in CLCN1 are known to be pathogenic (PMID: 17932099, 22094069, 23739125). This variant is not present in population databases (gnomAD no frequency). This variant has not been reported in the literature in individuals affected with CLCN1-related conditions. ClinVar contains an entry for this variant (Variation ID: 1993991). Algorithms developed to predict the effect of sequence changes on RNA splicing suggest that this variant may disrupt the consensus splice site. In summary, the currently available evidence indicates that the variant is pathogenic, but additional data are needed to prove that conclusively. Therefore, this variant has been classified as Likely Pathogenic.

Literature cited by the submitters: PubMed 16199547; PubMed 17932099; PubMed 22094069; PubMed 23739125.